The following is an entry in ClinVar:

NM_017763.6(RNF43):c.1982C>G (p.Ser661Cys)

Gene: RNF43 (ring finger protein 43; minus strand). Cytogenetic location: 17q22.
Variant type: single nucleotide variant.
Coding change: c.1982C>G on transcript NM_017763.6 (MANE Select); coding-DNA position 1982, C replaced by G.
Protein change: p.Ser661Cys; replaces serine 661 with cysteine.
Molecular consequence: missense variant.
Genome position (GRCh38, 1-based): chr17:58,357,794, G>C on the plus strand (C>G on the coding strand, the complement: RNF43 is on the minus strand). VCF-style: chr17-58357794-G-C. GRCh37 (hg19) VCF-style: chr17-56435155-G-C.
Other names: c.1982C>G, p.Ser661Cys (NM_001305544.3, NM_001438820.1, NM_001438821.1 and 1 more transcripts); c.1601C>G, p.Ser534Cys (NM_001305545.2, NM_001437987.1); short protein forms S661C, S534C.
Identifiers: ClinVar variation 4579008 (VCV004579008.1).
Genomic context (GRCh38, chr17:58,357,794, plus strand): 5'-AAAATCTGGCAAGCTGGGTGCACAGTTGCATCCTGGGGCCGAGAGCCAGGGGTGGGCTCG[G>C]AGGGACCCCCCCGCCTTTTCCTCTGTGGGTGTCGGGCAGAGAGGCTGGATTTTTGCAAGT-3'
Protein context (NP_060233.3, residues 651-671): HPQRKRRGGP[Ser661Cys]EPTPGSRPQD

ClinVar aggregate classification (germline): Uncertain significance (1 of 4 stars; one submission).

Submission:

Ambry Genetics
Classification: Uncertain significance. Last evaluated: 2025-11-25. Review status: criteria provided, single submitter. Criteria: Ambry Variant Classification Scheme 2023. Collection method: clinical testing. Allele origin: germline.
Comment: The p.S661C variant (also known as c.1982C>G), located in coding exon 8 of the RNF43 gene, results from a C to G substitution at nucleotide position 1982. The serine at codon 661 is replaced by cysteine, an amino acid with dissimilar properties. This amino acid position is conserved. In addition, this alteration is predicted to be tolerated by in silico analysis. Based on the available evidence, the clinical significance of this variant remains unclear.